The following is an entry in ClinVar:

ClinVar aggregate classification (germline): Likely pathogenic (1 of 4 stars; one submission).

Conditions:
Aicardi-Goutieres syndrome 5. Identifiers: Orphanet 51, MedGen C2749659, MONDO:0013059, OMIM 612952.

Submission:

Labcorp Genetics (formerly Invitae), Labcorp
Classification: Likely pathogenic for Aicardi-Goutieres syndrome 5. Last evaluated: 2022-01-16. Review status: criteria provided, single submitter. Criteria: Invitae Variant Classification Sherloc (09022015). Collection method: clinical testing. Allele origin: germline.
Comment: This variant has not been reported in the literature in individuals affected with SAMHD1-related conditions. In summary, the currently available evidence indicates that the variant is pathogenic, but additional data are needed to prove that conclusively. Therefore, this variant has been classified as Likely Pathogenic. This variant results in a copy number gain of the genomic region encompassing exon(s) 4-5 of the SAMHD1 gene. While the exact position of this variant cannot be determined from the data, sub-genic copy number gains are generally in tandem (PMID: 25640679). This variant is predicted to be out-of-frame, and may result in an absent or disrupted protein product. Loss-of-function variants in SAMHD1 are known to be pathogenic (PMID: 19525956, 22461318).

Literature cited by the submitters: PubMed 25640679; PubMed 19525956; PubMed 22461318.

NC_000020.10:g.(?_35559143)_(35563612_?)dup

Gene: SAMHD1 (SAM and HD domain containing deoxynucleoside triphosphate triphosphohydrolase 1; minus strand). Cytogenetic location: 20q11.23.
Variant type: Duplication.
Identifiers: ClinVar variation 2426166 (VCV002426166.4).